The following is an entry in ClinVar:

ClinVar aggregate classification (germline): Uncertain significance (1 of 4 stars; one submission).

Submission:

Ambry Genetics
Classification: Uncertain significance. Last evaluated: 2022-05-16. Review status: criteria provided, single submitter. Criteria: Ambry Variant Classification Scheme 2023. Collection method: clinical testing. Allele origin: germline.
Comment: The p.W810S variant (also known as c.2429G>C), located in coding exon 13 of the PALLD gene, results from a G to C substitution at nucleotide position 2429. The tryptophan at codon 810 is replaced by serine, an amino acid with highly dissimilar properties. This amino acid position is conserved. In addition, this alteration is predicted to be deleterious by in silico analysis. Since supporting evidence is limited at this time, the clinical significance of this alteration remains unclear.

NM_001166108.2(PALLD):c.2480G>C (p.Trp827Ser)

Genes: CBR4 (carbonyl reductase 4; minus strand), PALLD (palladin, cytoskeletal associated protein; plus strand). Cytogenetic location: 4q32.3.
Variant type: single nucleotide variant.
Coding change: c.2480G>C on transcript NM_001166108.2 (MANE Select); coding-DNA position 2480, G replaced by C.
Protein change: p.Trp827Ser; replaces tryptophan 827 with serine.
Molecular consequence: missense variant.
Genome position (GRCh38, 1-based): chr4:168,903,764, G>C. VCF-style: chr4-168903764-G-C. GRCh37 (hg19) VCF-style: chr4-169824915-G-C.
Other names: c.1283G>C, p.Trp428Ser (NM_001166109.2); c.968G>C, p.Trp323Ser (NM_001166110.2); c.308G>C, p.Trp103Ser (NM_001367567.1, NM_001367569.1); c.359G>C, p.Trp120Ser (NM_001367568.1, NM_001367570.1); c.2429G>C, p.Trp810Ser (NM_016081.4); short protein forms W120S, W103S, W810S, W428S, W323S, W827S.
Identifiers: ClinVar variation 1791125 (VCV001791125.2), dbSNP rs762887969, ClinGen allele CA358799244.
Genomic context (GRCh38, chr4:168,903,764, plus strand): 5'-ATAGAGTAGGAATACACAAACTCCTAATCTTTAATCTTTGTTTCTATTCACAGATCTATT[G>C]GTTTAAAGATGGGAAGCAGATCTCTCCAAAGAGTGATCACTACACCATTCAAAGAGATCT-3'
Protein context (NP_001159580.1, residues 817-837): VAGNPKPKIY[Trp827Ser]FKDGKQISPK